The following is an entry in ClinVar:

ClinVar aggregate classification (germline): Benign/Likely benign. Review status: criteria provided, multiple submitters, no conflicts (2 of 4 stars). 6 submissions from 5 submitters: Benign (2); Likely benign (4). Last evaluated 2026-01-24.

Conditions:
Distal arthrogryposis type 2B1 (DA2B1). Also called: Arthrogryposis multiplex congenita distal type II with craniofacial abnormalities. Identifiers: Orphanet 1147, MedGen C5193014, MONDO:0020820, OMIM 601680.
Freeman-Sheldon syndrome (DA2A). Also called: CRANIOCARPOTARSAL DYSPLASIA; CRANIOCARPOTARSAL DYSTROPHY; WHISTLING FACE-WINDMILL VANE HAND SYNDROME; Arthrogryposis, distal, type 2A (Freeman-Sheldon). Identifiers: Orphanet 2053, MedGen C0265224, MONDO:0008675, OMIM 193700.

Allele frequency attached by ClinVar (database versions not stated): gnomAD exomes 0.00019 and 0.00045; ExAC 0.00056; gnomAD 0.00192 and 0.00205; ESP Exome Variant Server 0.00200; TOPMed 0.00207; 1000 Genomes Project 0.00280; 1000 Genomes Project 30x 0.00281.
gnomAD v4.1: 599 of 1,614,196 alleles (0.037%); highest among the groups gnomAD compares: African/African-American, 0.66%; 4 homozygotes.

Submissions (6):

Labcorp Genetics (formerly Invitae), Labcorp
Classification: Benign. Last evaluated: 2026-01-24. Review status: criteria provided, single submitter. Criteria: Invitae Variant Classification Sherloc (09022015). Collection method: clinical testing. Allele origin: germline.

Blueprint Genetics
Classification: Likely benign. Last evaluated: 2024-08-22. Review status: criteria provided, single submitter. Criteria: ACMG Guidelines, 2015. Collection method: clinical testing. Allele origin: germline.

CeGaT Center for Human Genetics Tuebingen
Classification: Likely benign. Last evaluated: 2022-08-01. Review status: criteria provided, single submitter. Criteria: CeGaT Center For Human Genetics Tuebingen Variant Classification Criteria Version 2. Collection method: clinical testing. Allele origin: germline. Affected: yes. Observed: 1 variant allele.
Comment: MYH3: BP4, BP7

Illumina Laboratory Services, Illumina
Classification: Benign for Freeman-Sheldon syndrome. Last evaluated: 2018-01-12. Review status: criteria provided, single submitter. Criteria: ICSL Variant Classification Criteria 13 December 2019. Collection method: clinical testing. Allele origin: germline.
Comment: This variant was observed in the ICSL laboratory as part of a predisposition screen in an ostensibly healthy population. It had not been previously curated by ICSL or reported in the Human Gene Mutation Database (HGMD: prior to June 1st, 2018), and was therefore a candidate for classification through an automated scoring system. Utilizing variant allele frequency, disease prevalence and penetrance estimates, and inheritance mode, an automated score was calculated to assess if this variant is too frequent to cause the disease. Based on the score and internal cut-off values, a variant classified as benign is not then subjected to further curation. The score for this variant resulted in a classification of benign for this disease.

Illumina Laboratory Services, Illumina
Classification: Likely benign for Distal arthrogryposis type 2B1. Last evaluated: 2018-01-12. Review status: criteria provided, single submitter. Criteria: ICSL Variant Classification Criteria 13 December 2019. Collection method: clinical testing. Allele origin: germline.
Comment: This variant was observed in the ICSL laboratory as part of a predisposition screen in an ostensibly healthy population. It had not been previously curated by ICSL or reported in the Human Gene Mutation Database (HGMD: prior to June 1st, 2018), and was therefore a candidate for classification through an automated scoring system. Utilizing variant allele frequency, disease prevalence and penetrance estimates, and inheritance mode, an automated score was calculated to assess if this variant is too frequent to cause the disease. Based on the score and internal cut-off values, a variant classified as likely benign is not then subjected to further curation. The score for this variant resulted in a classification of likely benign for this disease.

Breakthrough Genomics
Classification: Likely benign. Review status: criteria provided, single submitter. Criteria: ACMG Guidelines, 2015. Collection method: not provided. Allele origin: germline. Inheritance: Autosomal recessive inheritance. Affected: yes.

NM_002470.4(MYH3):c.5067G>T (p.Leu1689=)

Gene: MYH3 (myosin heavy chain 3; minus strand). Cytogenetic location: 17p13.1.
Variant type: single nucleotide variant.
Coding change: c.5067G>T on transcript NM_002470.4 (MANE Select); coding-DNA position 5067, G replaced by T.
Protein change: p.Leu1689=; no amino-acid change (leucine 1689 retained).
Molecular consequence: synonymous variant.
Genome position (GRCh38, 1-based): chr17:10,631,906, C>A on the plus strand (G>T on the coding strand, the complement: MYH3 is on the minus strand). VCF-style: chr17-10631906-C-A. GRCh37 (hg19) VCF-style: chr17-10535223-C-A.
Identifiers: ClinVar variation 704533 (VCV000704533.38), dbSNP rs112858125, ClinGen allele CA8392056.